The following is an entry in ClinVar:

ClinVar aggregate classification (germline): Uncertain significance (1 of 4 stars; one submission).

Conditions:
Hereditary cancer-predisposing syndrome. Also called: Tumor predisposition; Hereditary neoplastic syndrome; Hereditary Cancer Syndrome; Neoplastic Syndromes, Hereditary. Identifiers: Orphanet 140162, MedGen C0027672, MeSH D009386, MONDO:0015356.

gnomAD v4.1: 2 of 1,613,532 alleles (0.00012%); highest among the groups gnomAD compares: Non-Finnish European, 0.00017%; no homozygotes.

Submission:

Ambry Genetics
Classification: Uncertain significance for Hereditary cancer-predisposing syndrome. Last evaluated: 2025-06-12. Review status: criteria provided, single submitter. Criteria: Ambry Variant Classification Scheme 2023. Collection method: clinical testing. Allele origin: germline.
Comment: The p.A965T variant (also known as c.2893G>A), located in coding exon 18 of the PTCH1 gene, results from a G to A substitution at nucleotide position 2893. The alanine at codon 965 is replaced by threonine, an amino acid with similar properties. This amino acid position is conserved. In addition, the in silico prediction for this alteration is inconclusive. Based on the available evidence, the clinical significance of this variant remains unclear.

NM_000264.5(PTCH1):c.2893G>A (p.Ala965Thr)

Gene: PTCH1 (patched 1; minus strand). Cytogenetic location: 9q22.32.
Variant type: single nucleotide variant.
Coding change: c.2893G>A on transcript NM_000264.5 (MANE Select); coding-DNA position 2893, G replaced by A.
Protein change: p.Ala965Thr; replaces alanine 965 with threonine.
Molecular consequence: missense variant. On other transcripts: non-coding transcript variant (1).
Genome position (GRCh38, 1-based): chr9:95,458,288, C>T on the plus strand (G>A on the coding strand, the complement: PTCH1 is on the minus strand). VCF-style: chr9-95458288-C-T. GRCh37 (hg19) VCF-style: chr9-98220570-C-T.
Other names: c.2695G>A, p.Ala899Thr (NM_001083602.3); c.2890G>A, p.Ala964Thr (NM_001083603.3); c.2440G>A, p.Ala814Thr (NM_001083604.3, NM_001083605.3, NM_001083606.3 and 1 more transcripts); c.2737G>A, p.Ala913Thr (NM_001354918.2); short protein forms A814T, A899T, A913T, A965T, A964T.
Identifiers: ClinVar variation 3939993 (VCV003939993.1).
Genomic context (GRCh38, chr9:95,458,288, plus strand): 5'-AGGTGTCCCGCAAGCCGTTGAGGTAGAAAGGGAACTGGGCATACTCGATGGGCTCTGCTG[C>T]CGGGACTGGACAGAGAAGGGCACAGGTTAGGAGCAGCCCAGGGTAGAAGAGCATCACAGT-3'
Protein context (NP_000255.2, residues 955-975): YMPETRLRIP[Ala965Thr]AEPIEYAQFP